The following is an entry in ClinVar:

NM_001292063.2(OTOG):c.8019_8020delinsTA (p.Pro2674Thr)

Gene: OTOG (otogelin; plus strand). Cytogenetic location: 11p15.1.
Variant type: Indel.
Coding change: c.8019_8020delinsTA on transcript NM_001292063.2 (MANE Select); coding-DNA positions 8019 to 8020, CC replaced by TA.
Protein change: p.Pro2674Thr; replaces proline 2674 with threonine.
Molecular consequence: missense variant.
Genome position (GRCh38, 1-based): chr11:17,640,920-17,640,921, CC replaced by TA. VCF-style: chr11-17640920-CC-TA. GRCh37 (hg19) VCF-style: chr11-17662467-CC-TA.
Other names: c.8055_8056delinsTA, p.Pro2686Thr (NM_001277269.2); short protein forms P2674T, P2686T.
Identifiers: ClinVar variation 1879201 (VCV001879201.29), dbSNP rs2497641557, ClinGen allele CA2580082826.

ClinVar aggregate classification (germline): Uncertain significance (1 of 4 stars; one submission).

Submission:

CeGaT Center for Human Genetics Tuebingen
Classification: Uncertain significance. Last evaluated: 2022-11-01. Review status: criteria provided, single submitter. Criteria: CeGaT Center For Human Genetics Tuebingen Variant Classification Criteria Version 2. Collection method: clinical testing. Allele origin: germline. Affected: yes. Observed: 1 variant allele.
Comment: OTOG: PM2